The following is an entry in ClinVar:

NM_015409.5(EP400):c.8090T>C (p.Val2697Ala)

Gene: EP400 (E1A binding protein p400; plus strand). Cytogenetic location: 12q24.33.
Variant type: single nucleotide variant.
Coding change: c.8090T>C on transcript NM_015409.5 (MANE Select); coding-DNA position 8090, T replaced by C.
Protein change: p.Val2697Ala; replaces valine 2697 with alanine.
Molecular consequence: missense variant.
Genome position (GRCh38, 1-based): chr12:132,062,315, T>C. VCF-style: chr12-132062315-T-C. GRCh37 (hg19) VCF-style: chr12-132546860-T-C.
Other names: short protein forms V2697A.
Identifiers: ClinVar variation 3058731 (VCV003058731.2), dbSNP rs777407921, ClinGen allele CA6886972.
Genomic context (GRCh38, chr12:132,062,315, plus strand): 5'-CCGTGGTCACTACCAACCTGACCCCAGTGCAGACCCCGGCACGGTCTTTGGTGCCCCAAG[T>C]GTCCCAAGGTAAAGCCAGGCTGGGAGCTTTCTCTGCCACACGTCTGCTCTGGCGCGTGTG-3'
Protein context (NP_056224.3, residues 2687-2707): QTPARSLVPQ[Val2697Ala]SQATGVQLPG

ClinVar aggregate classification (germline): Likely benign (0 of 4 stars; one submission).

Conditions:
EP400-related disorder. Also called: EP400-related condition.

Allele frequency attached by ClinVar (database versions not stated): gnomAD 0.00004; gnomAD exomes 0.00007; TOPMed 0.00014; ExAC 0.00029.
gnomAD v4.1: 112 of 1,614,018 alleles (0.0069%); highest among the groups gnomAD compares: Admixed American, 0.18%; no homozygotes.

Submission:

PreventionGenetics, part of Exact Sciences
Classification: Likely benign for EP400-related condition. Last evaluated: 2023-01-12. Review status: no assertion criteria provided. Collection method: clinical testing. Allele origin: germline.
Comment: This variant is classified as likely benign based on ACMG/AMP sequence variant interpretation guidelines (Richards et al. 2015 PMID: 25741868, with internal and published modifications).